The following is an entry in ClinVar:

ClinVar aggregate classification (germline): Pathogenic (1 of 4 stars; one submission).

Submission:

Labcorp Genetics (formerly Invitae), Labcorp
Classification: Pathogenic. Last evaluated: 2022-01-11. Review status: criteria provided, single submitter. Criteria: Invitae Variant Classification Sherloc (09022015). Collection method: clinical testing. Allele origin: germline.
Comment: This variant has not been reported in the literature in individuals affected with LRP5-related conditions. For these reasons, this variant has been classified as Pathogenic. This sequence change creates a premature translational stop signal (p.Lys1068*) in the LRP5 gene. It is expected to result in an absent or disrupted protein product. Loss-of-function variants in LRP5 are known to be pathogenic (PMID: 11719191, 16252235, 25711638). This variant is not present in population databases (gnomAD no frequency).

Literature cited by the submitters: PubMed 11719191; PubMed 16252235; PubMed 25711638.

NM_002335.4(LRP5):c.3202A>T (p.Lys1068Ter)

Gene: LRP5 (LDL receptor related protein 5; plus strand). Cytogenetic location: 11q13.2.
Variant type: single nucleotide variant.
Coding change: c.3202A>T on transcript NM_002335.4 (MANE Select); coding-DNA position 3202, A replaced by T.
Protein change: p.Lys1068Ter; replaces lysine 1068 with a stop codon.
Molecular consequence: nonsense.
Genome position (GRCh38, 1-based): chr11:68,423,663, A>T. VCF-style: chr11-68423663-A-T. GRCh37 (hg19) VCF-style: chr11-68191131-A-T.
Other names: c.1459A>T, p.Lys487Ter (NM_001291902.2); short protein forms K487*, K1068*.
Identifiers: ClinVar variation 2079608 (VCV002079608.4), dbSNP rs2496816468, ClinGen allele CA381620925.